The following is an entry in ClinVar:

ClinVar aggregate classification (germline): Uncertain significance (1 of 4 stars; one submission).

Conditions:
Neuronal ceroid lipofuscinosis. Also called: Neuronal Ceroid Lipofuscinoses. Identifiers: Orphanet 216, Orphanet 79263, MedGen C0027877, MONDO:0016295. Disease mechanism: loss of function.

Allele frequency attached by ClinVar (database versions not stated): gnomAD exomes below 0.00001.
gnomAD v4.1: 2 of 1,614,048 alleles (0.00012%); highest among the groups gnomAD compares: Non-Finnish European, 0.00017%; no homozygotes.

Submission:

Labcorp Genetics (formerly Invitae), Labcorp
Classification: Uncertain significance for Neuronal ceroid lipofuscinosis. Last evaluated: 2022-08-10. Review status: criteria provided, single submitter. Criteria: Invitae Variant Classification Sherloc (09022015). Collection method: clinical testing. Allele origin: germline.
Comment: This sequence change replaces glutamic acid, which is acidic and polar, with lysine, which is basic and polar, at codon 15 of the CLN3 protein (p.Glu15Lys). This variant is not present in population databases (gnomAD no frequency). This variant has not been reported in the literature in individuals affected with CLN3-related conditions. Algorithms developed to predict the effect of missense changes on protein structure and function (SIFT, PolyPhen-2, Align-GVGD) all suggest that this variant is likely to be tolerated. In summary, the available evidence is currently insufficient to determine the role of this variant in disease. Therefore, it has been classified as a Variant of Uncertain Significance.

NM_001042432.2(CLN3):c.43G>A (p.Glu15Lys)

Gene: CLN3 (CLN3 lysosomal/endosomal transmembrane protein, battenin; minus strand). Cytogenetic location: 16p12.1.
Variant type: single nucleotide variant.
Coding change: c.43G>A on transcript NM_001042432.2 (MANE Select); coding-DNA position 43, G replaced by A.
Protein change: p.Glu15Lys; replaces glutamic acid 15 with lysine.
Molecular consequence: missense variant. On other transcripts: 5 prime UTR variant (3).
Genome position (GRCh38, 1-based): chr16:28,491,717, C>T on the plus strand (G>A on the coding strand, the complement: CLN3 is on the minus strand). VCF-style: chr16-28491717-C-T. GRCh37 (hg19) VCF-style: chr16-28503038-C-T.
Other names: c.43G>A, p.Glu15Lys (NM_000086.2, NM_001286104.2); c.-99G>A (NM_001286105.2); c.-41G>A (NM_001286109.2, NM_001286110.2); short protein forms E15K.
Identifiers: ClinVar variation 2413892 (VCV002413892.3), dbSNP rs1228953213, ClinGen allele CA395347507.